The following is an entry in ClinVar:

NM_001267550.2(TTN):c.45724A>T (p.Arg15242Ter)

Gene: TTN (titin; minus strand). Cytogenetic location: 2q31.2.
Variant type: single nucleotide variant.
Coding change: c.45724A>T on transcript NM_001267550.2 (MANE Select); coding-DNA position 45724, A replaced by T.
Protein change: p.Arg15242Ter; replaces arginine 15242 with a stop codon.
Molecular consequence: nonsense.
Genome position (GRCh38, 1-based): chr2:178,620,886, T>A on the plus strand (A>T on the coding strand, the complement: TTN is on the minus strand). VCF-style: chr2-178620886-T-A. GRCh37 (hg19) VCF-style: chr2-179485613-T-A.
Other names: c.40801A>T, p.Arg13601Ter (NM_001256850.1); c.18529A>T, p.Arg6177Ter (NM_003319.4); c.38020A>T, p.Arg12674Ter (NM_133378.4); c.18904A>T, p.Arg6302Ter (NM_133432.3); c.19105A>T, p.Arg6369Ter (NM_133437.4); short protein forms R6302*, R6369*, R13601*, R12674*, R15242*, R6177*.
Identifiers: ClinVar variation 2002987 (VCV002002987.5), dbSNP rs373778707, ClinGen allele CA349632261.

ClinVar aggregate classification (germline): Pathogenic/Likely pathogenic. Review status: criteria provided, multiple submitters, no conflicts (2 of 4 stars). 2 submissions from 2 submitters: Pathogenic (1); Likely pathogenic (1). Last evaluated 2024-10-18.

Conditions:
Dilated cardiomyopathy 1G (CMD1G). Identifiers: Orphanet 154, MedGen C1858763, MONDO:0011400, OMIM 604145.
Autosomal recessive limb-girdle muscular dystrophy type 2J (LGMDR10). Also called: MUSCULAR DYSTROPHY, LIMB-GIRDLE, AUTOSOMAL RECESSIVE 10; Limb-girdle muscular dystrophy, type 2J. Identifiers: Orphanet 140922, MedGen C1837342, MONDO:0012127, OMIM 608807.

Submissions (2):

Labcorp Genetics (formerly Invitae), Labcorp
Classification: Likely pathogenic for Dilated cardiomyopathy 1G; Autosomal recessive limb-girdle muscular dystrophy type 2J. Last evaluated: 2024-10-18. Review status: criteria provided, single submitter. Criteria: Invitae Variant Classification Sherloc (09022015). Collection method: clinical testing. Allele origin: germline.
Comment: This sequence change creates a premature translational stop signal (p.Arg15242*) in the TTN gene. While this is not anticipated to result in nonsense mediated decay, it is expected to create a truncated TTN protein. This variant is not present in population databases (gnomAD no frequency). This variant has not been reported in the literature in individuals affected with TTN-related conditions. ClinVar contains an entry for this variant (Variation ID: 2002987). This variant is located in the I band of TTN (PMID: 25589632). Truncating variants in this region have been reported in individuals affected with autosomal recessive centronuclear myopathy (PMID: 23975875, internal data). Truncating variants in this region have also been identified in individuals affected with autosomal dominant dilated cardiomyopathy and/or cardio-related conditions (PMID: 27869827, 32964742, internal data). In summary, the currently available evidence indicates that the variant is pathogenic, but additional data are needed to prove that conclusively. Therefore, this variant has been classified as Likely Pathogenic.

Molecular Genetics, Royal Melbourne Hospital
Classification: Pathogenic for Dilated cardiomyopathy 1G. Last evaluated: 2024-04-07. Review status: criteria provided, single submitter. Criteria: ACMG Guidelines, 2015. Collection method: clinical testing. Allele origin: germline. Inheritance: Autosomal dominant inheritance. Affected: yes.
Comment: This sequence change in TTN is a nonsense variant predicted to cause a premature stop codon, p.(Arg15242*), in constitutively expressed exon 247 (percentage splice in, PSI, 100%) in the I-band. High PSI truncating variants in TTN have a significant association with dilated cardiomyopathy (PMID: 31216868). This variant is absent from the population database gnomAD v4.0. This variant has been detected in at least two probands with dilated cardiomyopathy (Royal Melbourne Hospital, Invitae personal communication). Based on the classification scheme RMH Modified ACMG/AMP Guidelines v1.6.1, this variant is classified as PATHOGENIC. Following criteria are met: PVS1, PM2_Supporting, PS4_Supporting.

Literature cited by the submitters: PubMed 25589632 (cited by Labcorp Genetics (formerly Invitae), Labcorp); PubMed 23975875 (cited by Labcorp Genetics (formerly Invitae), Labcorp); PubMed 27869827 (cited by Labcorp Genetics (formerly Invitae), Labcorp); PubMed 32964742 (cited by Labcorp Genetics (formerly Invitae), Labcorp); PubMed 31216868 (cited by Molecular Genetics, Royal Melbourne Hospital).